The following is an entry in ClinVar:

NM_001163435.3(TBCK):c.2398C>T (p.Arg800Trp)

Gene: TBCK (TBC1 domain containing kinase; minus strand). Cytogenetic location: 4q24.
Variant type: single nucleotide variant.
Coding change: c.2398C>T on transcript NM_001163435.3 (MANE Select); coding-DNA position 2398, C replaced by T.
Protein change: p.Arg800Trp; replaces arginine 800 with tryptophan.
Molecular consequence: missense variant.
Genome position (GRCh38, 1-based): chr4:106,116,216, G>A on the plus strand (C>T on the coding strand, the complement: TBCK is on the minus strand). VCF-style: chr4-106116216-G-A. GRCh37 (hg19) VCF-style: chr4-107037373-G-A.
Other names: NM_001163435.3(TBCK):c.2398C>T; p.Arg800Trp; c.2398C>T, p.Arg800Trp (NM_001163436.4); c.2281C>T, p.Arg761Trp (NM_001163437.3); c.1882C>T, p.Arg628Trp (NM_001290768.2); c.2209C>T, p.Arg737Trp (NM_033115.5); short protein forms R761W, R800W, R628W, R737W.
Identifiers: ClinVar variation 2187282 (VCV002187282.2), dbSNP rs769293834, ClinGen allele CA3034722.

ClinVar aggregate classification (germline): Conflicting classifications of pathogenicity. Review status: criteria provided, conflicting classifications (1 of 4 stars). 2 submissions from 2 submitters: Likely pathogenic (1); Uncertain significance (1). Last evaluated 2025-01-15.

Conditions:
Hypotonia, infantile, with psychomotor retardation and characteristic facies 3 (IHPRF3). Also called: TBCK-Related Neurodevelopmental Disorder. Identifiers: Orphanet 488632, MedGen C5567480, MONDO:0014823, OMIM 616900.

Allele frequency attached by ClinVar (database versions not stated): ExAC 0.00002; gnomAD 0.00002; gnomAD exomes 0.00003; TOPMed 0.00003.
gnomAD v4.1: 44 of 1,613,504 alleles (0.0027%); highest among the groups gnomAD compares: Non-Finnish European, 0.0035%; no homozygotes.

Submissions (2):

Broad Center for Mendelian Genomics, Broad Institute of MIT and Harvard
Classification: Likely pathogenic for Hypotonia, infantile, with psychomotor retardation and characteristic facies 3. Last evaluated: 2025-01-15. Review status: criteria provided, single submitter. Criteria: ACMG Guidelines, 2015. Collection method: curation. Allele origin: germline. Inheritance: Autosomal recessive inheritance.
Comment: The p.Arg800Trp variant in TBCK has been previously reported in three individuals with TBCK-related intellectual disability syndrome (Decipher), and has been identified in 0.003% (41/1179946) of Latino/Admixed American chromosomes by the Genome Aggregation Database (gnomAD; dbSNP ID: rs769293834). Although this variant has been seen in the general population in a heterozygous state, its frequency is low enough to be consistent with a recessive carrier frequency. This variant has also been reported in ClinVar (Variation ID: 2187282) and has been interpreted as a variant of uncertain significance by Invitae. This variant was found to be de novo in 1 individual with confirmed paternity and maternity (Decipher). Of the three affected individuals, 2 were compound heterozygotes that carried reported pathogenic variants in trans, which increases the likelihood that the p.Arg800Trp variant is pathogenic (Variation ID: 183338, 261684; Decipher). Computational prediction tools and conservation analyses suggest that this variant may impact the protein, though this information is not predictive enough to determine pathogenicity. In summary, although additional studies are required to fully establish its clinical significance, this variant is likely pathogenic for TBCK-related intellectual disability syndrome. ACMG/AMP Criteria applied: PM3_strong, PP3_moderate, PM2_supporting, PS2_supporting (Richards 2015).

Labcorp Genetics (formerly Invitae), Labcorp
Classification: Uncertain significance. Last evaluated: 2022-03-04. Review status: criteria provided, single submitter. Criteria: Invitae Variant Classification Sherloc (09022015). Collection method: clinical testing. Allele origin: germline.
Comment: This sequence change replaces arginine, which is basic and polar, with tryptophan, which is neutral and slightly polar, at codon 800 of the TBCK protein (p.Arg800Trp). This variant is present in population databases (rs769293834, gnomAD 0.006%). This variant has not been reported in the literature in individuals affected with TBCK-related conditions. Algorithms developed to predict the effect of missense changes on protein structure and function are either unavailable or do not agree on the potential impact of this missense change (SIFT: "Deleterious"; PolyPhen-2: "Probably Damaging"; Align-GVGD: "Class C0"). In summary, the available evidence is currently insufficient to determine the role of this variant in disease. Therefore, it has been classified as a Variant of Uncertain Significance.